The following is an entry in ClinVar:

ClinVar aggregate classification (germline): Uncertain significance (1 of 4 stars; one submission).

Allele frequency attached by ClinVar (database versions not stated): gnomAD exomes below 0.00001.
gnomAD v4.1: 2 of 1,610,936 alleles (0.00012%); highest among the groups gnomAD compares: Non-Finnish European, 0.00017%; no homozygotes.

Submission:

Labcorp Genetics (formerly Invitae), Labcorp
Classification: Uncertain significance. Last evaluated: 2022-05-20. Review status: criteria provided, single submitter. Criteria: Invitae Variant Classification Sherloc (09022015). Collection method: clinical testing. Allele origin: germline.
Comment: This sequence change replaces proline, which is neutral and non-polar, with leucine, which is neutral and non-polar, at codon 39 of the C1QA protein (p.Pro39Leu). This variant is not present in population databases (gnomAD no frequency). This variant has not been reported in the literature in individuals affected with C1QA-related conditions. Algorithms developed to predict the effect of missense changes on protein structure and function are either unavailable or do not agree on the potential impact of this missense change (SIFT: "Deleterious"; PolyPhen-2: "Probably Damaging"; Align-GVGD: "Class C0"). In summary, the available evidence is currently insufficient to determine the role of this variant in disease. Therefore, it has been classified as a Variant of Uncertain Significance.

NM_015991.4(C1QA):c.116C>T (p.Pro39Leu)

Gene: C1QA (complement C1q A chain; plus strand). Cytogenetic location: 1p36.12.
Variant type: single nucleotide variant.
Coding change: c.116C>T on transcript NM_015991.4 (MANE Select); coding-DNA position 116, C replaced by T.
Protein change: p.Pro39Leu; replaces proline 39 with leucine.
Molecular consequence: missense variant.
Genome position (GRCh38, 1-based): chr1:22,637,732, C>T. VCF-style: chr1-22637732-C-T. GRCh37 (hg19) VCF-style: chr1-22964225-C-T.
Other names: c.116C>T, p.Pro39Leu (NM_001347465.2, NM_001347466.2); short protein forms P39L.
Identifiers: ClinVar variation 1917696 (VCV001917696.4), dbSNP rs976573603, ClinGen allele CA19170851.